The following is an entry in ClinVar:

ClinVar aggregate classification (germline): Uncertain significance (1 of 4 stars; one submission).

Submission:

Labcorp Genetics (formerly Invitae), Labcorp
Classification: Uncertain significance. Last evaluated: 2024-03-07. Review status: criteria provided, single submitter. Criteria: Invitae Variant Classification Sherloc (09022015). Collection method: clinical testing. Allele origin: germline.
Comment: This sequence change replaces histidine, which is basic and polar, with leucine, which is neutral and non-polar, at codon 23 of the ASAH1 protein (p.His23Leu). This variant is not present in population databases (gnomAD no frequency). This variant has not been reported in the literature in individuals affected with ASAH1-related conditions. An algorithm developed to predict the effect of missense changes on protein structure and function (PolyPhen-2) suggests that this variant is likely to be tolerated. In summary, the available evidence is currently insufficient to determine the role of this variant in disease. Therefore, it has been classified as a Variant of Uncertain Significance.

NM_177924.5(ASAH1):c.68A>T (p.His23Leu)

Gene: ASAH1 (N-acylsphingosine amidohydrolase 1; minus strand). Cytogenetic location: 8p22.
Variant type: single nucleotide variant.
Coding change: c.68A>T on transcript NM_177924.5 (MANE Select); coding-DNA position 68, A replaced by T.
Protein change: p.His23Leu; replaces histidine 23 with leucine.
Molecular consequence: missense variant. On other transcripts: intron variant (2).
Genome position (GRCh38, 1-based): chr8:18,083,991, T>A on the plus strand (A>T on the coding strand, the complement: ASAH1 is on the minus strand). VCF-style: chr8-18083991-T-A. GRCh37 (hg19) VCF-style: chr8-17941500-T-A.
Other names: c.126+685A>T (NM_004315.6, NM_001127505.3); short protein forms H23L.
Identifiers: ClinVar variation 3718176 (VCV003718176.2).
Genomic context (GRCh38, chr8:18,083,991, plus strand): 5'-GCGCCCGCACCTGCACGCCCCTCTCTGCGCCTCGGCTCAAGCTCACTCACCGGCGGCGCG[T>A]GCTGCGCGACGGCACAGCTGACGGCGGCAGCCAGGAGGACTAAGGCGACGCAACTCCGGC-3'
Protein context (NP_808592.2, residues 13-33): AAAVSCAVAQ[His23Leu]APPWTEDCRK